The following is an entry in ClinVar:

NM_020987.5(ANK3):c.7877C>A (p.Pro2626His)

Gene: ANK3 (ankyrin 3; minus strand). Cytogenetic location: 10q21.2.
Variant type: single nucleotide variant.
Coding change: c.7877C>A on transcript NM_020987.5 (MANE Select); coding-DNA position 7877, C replaced by A.
Protein change: p.Pro2626His; replaces proline 2626 with histidine.
Molecular consequence: missense variant. On other transcripts: intron variant (4).
Genome position (GRCh38, 1-based): chr10:60,073,004, G>T on the plus strand (C>A on the coding strand, the complement: ANK3 is on the minus strand). VCF-style: chr10-60073004-G-T. GRCh37 (hg19) VCF-style: chr10-61832762-G-T.
Other names: c.4388-4995C>A (NM_001204403.2); c.4409-4995C>A (NM_001204404.2); c.4406-4995C>A (NM_001320874.2); c.1808-4995C>A (NM_001149.4); short protein forms P2626H.
Identifiers: ClinVar variation 5007988 (VCV005007988.1).

ClinVar aggregate classification (germline): Uncertain significance (1 of 4 stars; one submission).

Submission:

GeneDx
Classification: Uncertain significance. Last evaluated: 2026-02-26. Review status: criteria provided, single submitter. Criteria: GeneDx Variant Classification Process June 2021. Collection method: clinical testing. Allele origin: germline.
Comment: Not observed at significant frequency in large population cohorts (gnomAD); In silico analysis suggests that this missense variant does not alter protein structure/function; Has not been previously published as pathogenic or benign to our knowledge